The following is an entry in ClinVar:

NM_001130144.3(LTBP3):c.2729T>G (p.Val910Gly)

Gene: LTBP3 (latent transforming growth factor beta binding protein 3; minus strand). Cytogenetic location: 11q13.1.
Variant type: single nucleotide variant.
Coding change: c.2729T>G on transcript NM_001130144.3 (MANE Select); coding-DNA position 2729, T replaced by G.
Protein change: p.Val910Gly; replaces valine 910 with glycine.
Molecular consequence: missense variant.
Genome position (GRCh38, 1-based): chr11:65,541,290, A>C on the plus strand (T>G on the coding strand, the complement: LTBP3 is on the minus strand). VCF-style: chr11-65541290-A-C. GRCh37 (hg19) VCF-style: chr11-65308761-A-C.
Other names: c.2378T>G, p.Val793Gly (NM_001164266.1); c.2729T>G, p.Val910Gly (NM_021070.4); short protein forms V793G, V910G.
Identifiers: ClinVar variation 1795266 (VCV001795266.2), dbSNP rs1590761919, ClinGen allele CA381268534.
Genomic context (GRCh38, chr11:65,541,290, plus strand): 5'-TCGCAGAACACTGTGTCATCGAAGTTCAGGTAGCACTCCTTCTTGTGGTGGGGCTGCTCC[A>C]CCTCTGAGGGGCAGACGGCAGCTCAGGGTTGTGCACAGACCCCCCTTGGCCCTGTCCACC-3'
Protein context (NP_001123616.1, residues 900-920): PTQDQHGCEE[Val910Gly]EQPHHKKECY

ClinVar aggregate classification (germline): Uncertain significance (1 of 4 stars; one submission).

Conditions:
Inborn genetic diseases. Identifiers: MedGen C0950123, MeSH D030342.

Submission:

Ambry Genetics
Classification: Uncertain significance for Inborn genetic diseases. Last evaluated: 2022-03-23. Review status: criteria provided, single submitter. Criteria: Ambry Variant Classification Scheme 2023. Collection method: clinical testing. Allele origin: germline.
Comment: The p.V910G variant (also known as c.2729T>G), located in coding exon 20 of the LTBP3 gene, results from a T to G substitution at nucleotide position 2729. The valine at codon 910 is replaced by glycine, an amino acid with dissimilar properties. This amino acid position is conserved. In addition, the in silico prediction for this alteration is inconclusive. Since supporting evidence is limited at this time, the clinical significance of this alteration remains unclear.